The following is an entry in ClinVar:

NM_003742.4(ABCB11):c.1760C>G (p.Ser587Ter)

Gene: ABCB11 (ATP binding cassette subfamily B member 11; minus strand). Cytogenetic location: 2q31.1.
Variant type: single nucleotide variant.
Coding change: c.1760C>G on transcript NM_003742.4 (MANE Select); coding-DNA position 1760, C replaced by G.
Protein change: p.Ser587Ter; replaces serine 587 with a stop codon.
Molecular consequence: nonsense.
Genome position (GRCh38, 1-based): chr2:168,970,094, G>C on the plus strand (C>G on the coding strand, the complement: ABCB11 is on the minus strand). VCF-style: chr2-168970094-G-C. GRCh37 (hg19) VCF-style: chr2-169826604-G-C.
Other names: short protein forms S587*.
Identifiers: ClinVar variation 4846179 (VCV004846179.1).

ClinVar aggregate classification (germline): Pathogenic (1 of 4 stars; one submission).

Conditions:
Familial intrahepatic cholestasis. Identifiers: Orphanet 284385, MedGen CN296401, MONDO:0017290.

Submission:

Genomenon, Inc
Classification: Pathogenic for Familial intrahepatic cholestasis. Last evaluated: 2026-04-14. Review status: criteria provided, single submitter. Criteria: Genomenon Sequence Variant Interpretation Standards - Updated. Collection method: curation. Allele origin: germline. Affected: yes.
Comment: ABCB11 p.Ser587Ter (c.1760C>G) is a nonsense variant that introduces a premature stop codon at amino acid position 587, creating a truncated protein that is predicted to undergo nonsense-mediated mRNA decay. This variant has been observed in at least one proband with an ABCB11-related disorder (PMID:32808743;26382629). It is absent or not present at a significant frequency in gnomAD. In conclusion, we classify ABCB11 p.Ser587Ter (c.1760C>G) as a pathogenic variant.

Literature cited by the submitters: PubMed 32808743; PubMed 26382629.